The following is an entry in ClinVar:

NM_001278689.2(EOGT):c.831+10A>T

Gene: EOGT (EGF domain specific O-linked N-acetylglucosamine transferase; minus strand). Cytogenetic location: 3p14.1.
Variant type: single nucleotide variant.
Coding change: c.831+10A>T on transcript NM_001278689.2 (MANE Select); 10 bases into the intron after coding-DNA position 831, A replaced by T.
Molecular consequence: intron variant.
Genome position (GRCh38, 1-based): chr3:68,998,001, T>A on the plus strand (A>T on the coding strand, the complement: EOGT is on the minus strand). VCF-style: chr3-68998001-T-A. GRCh37 (hg19) VCF-style: chr3-69047152-T-A.
Other names: c.831+10A>T (NM_173654.3).
Identifiers: ClinVar variation 2176427 (VCV002176427.4), dbSNP rs1559604529, ClinGen allele CA543560117.

ClinVar aggregate classification (germline): Uncertain significance (1 of 4 stars; one submission).

Conditions:
Adams-Oliver syndrome 4 (AOS4). Identifiers: Orphanet 974, MedGen C3809092, MONDO:0014124, OMIM 615297.

Allele frequency attached by ClinVar (database versions not stated): gnomAD exomes below 0.00001.
gnomAD v4.1: 1 of 1,456,396 alleles (0.000069%); highest among the groups gnomAD compares: Admixed American, 0.002%; no homozygotes.

Submission:

Labcorp Genetics (formerly Invitae), Labcorp
Classification: Uncertain significance for Adams-Oliver syndrome 4. Last evaluated: 2021-12-03. Review status: criteria provided, single submitter. Criteria: Invitae Variant Classification Sherloc (09022015). Collection method: clinical testing. Allele origin: germline.
Comment: This sequence change falls in intron 10 of the EOGT gene. It does not directly change the encoded amino acid sequence of the EOGT protein. This variant is present in population databases (no rsID available, gnomAD 0.004%). This variant has not been reported in the literature in individuals affected with EOGT-related conditions. Algorithms developed to predict the effect of sequence changes on RNA splicing suggest that this variant may create or strengthen a splice site. In summary, the available evidence is currently insufficient to determine the role of this variant in disease. Therefore, it has been classified as a Variant of Uncertain Significance.